The following is an entry in ClinVar:

ClinVar aggregate classification (germline): Uncertain significance. Review status: criteria provided, multiple submitters, no conflicts (2 of 4 stars). 3 submissions from 3 submitters: Uncertain significance (3). Last evaluated 2024-04-27.

Conditions:
Neuroblastoma, susceptibility to, 2. Identifiers: Orphanet 635, MedGen C2751682, MONDO:0700041, OMIM 613013.
Hereditary cancer-predisposing syndrome. Also called: Hereditary Cancer Syndrome; Tumor predisposition; Hereditary neoplastic syndrome; Neoplastic Syndromes, Hereditary. Identifiers: Orphanet 140162, MedGen C0027672, MeSH D009386, MONDO:0015356.
Haddad syndrome (OHD). Also called: Ondine-Hirschsprung disease. Identifiers: Orphanet 99803, MedGen C1859049, MONDO:0020493.

Allele frequency attached by ClinVar (database versions not stated): TOPMed below 0.00001.
gnomAD v4.1: 2 of 1,129,774 alleles (0.00018%); highest among the groups gnomAD compares: Non-Finnish European, 0.00022%; no homozygotes.

Submissions (3):

Ambry Genetics
Classification: Uncertain significance for Hereditary cancer-predisposing syndrome. Last evaluated: 2024-04-27. Review status: criteria provided, single submitter. Criteria: Ambry Variant Classification Scheme 2023. Collection method: clinical testing. Allele origin: germline.
Comment: The p.A249S variant (also known as c.745G>T), located in coding exon 3 of the PHOX2B gene, results from a G to T substitution at nucleotide position 745. The alanine at codon 249 is replaced by serine, an amino acid with similar properties. This amino acid position is conserved. In addition, this alteration is predicted to be tolerated by in silico analysis. Based on the available evidence, the clinical significance of this variant remains unclear.

Baylor Genetics
Classification: Uncertain significance for Neuroblastoma, susceptibility to, 2. Last evaluated: 2023-02-27. Review status: criteria provided, single submitter. Criteria: ACMG Guidelines, 2015. Collection method: clinical testing. Allele origin: unknown.

Labcorp Genetics (formerly Invitae), Labcorp
Classification: Uncertain significance for Haddad syndrome. Last evaluated: 2022-03-28. Review status: criteria provided, single submitter. Criteria: Invitae Variant Classification Sherloc (09022015). Collection method: clinical testing. Allele origin: germline.
Comment: This sequence change replaces alanine, which is neutral and non-polar, with serine, which is neutral and polar, at codon 249 of the PHOX2B protein (p.Ala249Ser). This variant is not present in population databases (gnomAD no frequency). In summary, the available evidence is currently insufficient to determine the role of this variant in disease. Therefore, it has been classified as a Variant of Uncertain Significance. Algorithms developed to predict the effect of missense changes on protein structure and function are either unavailable or do not agree on the potential impact of this missense change (SIFT: "Deleterious"; PolyPhen-2: "Not Available"; Align-GVGD: "Class C0"). This variant has not been reported in the literature in individuals affected with PHOX2B-related conditions.

NM_003924.4(PHOX2B):c.745G>T (p.Ala249Ser)

Genes: PHOX2B (paired like homeobox 2B; minus strand), LOC110011216 (paired like homeobox 2b polyalanine repeat instability region; plus strand). Cytogenetic location: 4p13.
Variant type: single nucleotide variant.
Coding change: c.745G>T on transcript NM_003924.4 (MANE Select); coding-DNA position 745, G replaced by T.
Protein change: p.Ala249Ser; replaces alanine 249 with serine.
Molecular consequence: missense variant.
Genome position (GRCh38, 1-based): chr4:41,746,007, C>A on the plus strand (G>T on the coding strand, the complement: PHOX2B is on the minus strand). VCF-style: chr4-41746007-C-A. GRCh37 (hg19) VCF-style: chr4-41748024-C-A.
Other names: short protein forms A249S.
Identifiers: ClinVar variation 2186948 (VCV002186948.4), dbSNP rs1276685806, ClinGen allele CA356737211.